The following is an entry in ClinVar:

NM_022773.4(LMF1):c.20C>G (p.Thr7Arg)

Genes: LMF1 (lipase maturation factor 1; minus strand), LOC130058141 (ATAC-STARR-seq lymphoblastoid silent region 6962; plus strand). Cytogenetic location: 16p13.3.
Variant type: single nucleotide variant.
Coding change: c.20C>G on transcript NM_022773.4 (MANE Select); coding-DNA position 20, C replaced by G.
Protein change: p.Thr7Arg; replaces threonine 7 with arginine.
Molecular consequence: missense variant. On other transcripts: 5 prime UTR variant (1), non-coding transcript variant (1), intron variant (3).
Genome position (GRCh38, 1-based): chr16:970,961, G>C on the plus strand (C>G on the coding strand, the complement: LMF1 is on the minus strand). VCF-style: chr16-970961-G-C. GRCh37 (hg19) VCF-style: chr16-1020961-G-C.
Other names: c.20C>G, p.Thr7Arg (NM_001352020.1); c.-686C>G (NM_001352021.2); c.-135+10184C>G (NM_001352019.2); c.-611+10184C>G (NM_001352017.2); c.-362+10184C>G (NM_001352018.2); short protein forms T7R.
Identifiers: ClinVar variation 3538673 (VCV003538673.1).
Genomic context (GRCh38, chr16:970,961, plus strand): 5'-GGCTCCGGATCCGAGTACCCAGTCTTCCGCCTCCTCAGCGACTCCGCGGGCGCCGCCATT[G>C]TTGGGCTGTCAGGGCGCATGTGCGGGGAGGGCGCACTCCCGGAGGCCCCGCCCATTCTCG-3'
Protein context (NP_073610.2, residues 1-17): MRPDSP[Thr7Arg]MAAPAESLRR

ClinVar aggregate classification (germline): Uncertain significance (1 of 4 stars; one submission).

Conditions:
Cardiovascular phenotype. Identifiers: MedGen CN230736.

Submission:

Ambry Genetics
Classification: Uncertain significance for Cardiovascular phenotype. Last evaluated: 2024-11-02. Review status: criteria provided, single submitter. Criteria: Ambry Variant Classification Scheme 2023. Collection method: clinical testing. Allele origin: germline.
Comment: The p.T7R variant (also known as c.20C>G), located in coding exon 1 of the LMF1 gene, results from a C to G substitution at nucleotide position 20. The threonine at codon 7 is replaced by arginine, an amino acid with similar properties. This amino acid position is conserved. In addition, this alteration is predicted to be tolerated by in silico analysis. Based on the available evidence, the clinical significance of this variant remains unclear.